The following is an entry in ClinVar:

NM_000384.3(APOB):c.3446A>T (p.Gln1149Leu)

Gene: APOB (apolipoprotein B; minus strand). Cytogenetic location: 2p24.1.
Variant type: single nucleotide variant.
Coding change: c.3446A>T on transcript NM_000384.3 (MANE Select); coding-DNA position 3446, A replaced by T.
Protein change: p.Gln1149Leu; replaces glutamine 1149 with leucine.
Molecular consequence: missense variant.
Genome position (GRCh38, 1-based): chr2:21,015,432, T>A on the plus strand (A>T on the coding strand, the complement: APOB is on the minus strand). VCF-style: chr2-21015432-T-A. GRCh37 (hg19) VCF-style: chr2-21238304-T-A.
Other names: short protein forms Q1149L.
Identifiers: ClinVar variation 3762686 (VCV003762686.2).

ClinVar aggregate classification (germline): Uncertain significance (1 of 4 stars; one submission).

Conditions:
Familial hypobetalipoproteinemia 1. Also called: Hypobetalipoproteinemia, normotriglyceridemic; Acanthocytosis with hypobetalipoproteinemia; APOB-Related Familial Hypobetalipoproteinemia. Identifiers: MedGen C4551990, MONDO:0014252, OMIM 615558.
Hypercholesterolemia, autosomal dominant, type B (FHCL2). Also called: APOB-Related Familial Hypercholesterolemia, Autosomal Dominant; Familial Hypercholesterolemia Type B; APOLIPOPROTEIN B-100, FAMILIAL DEFECTIVE; APOLIPOPROTEIN B-100, FAMILIAL LIGAND-DEFECTIVE; HYPERCHOLESTEROLEMIA, FAMILIAL, DUE TO LIGAND-DEFECTIVE APOLIPOPROTEIN B; Familial hypercholesterolemia 2. Identifiers: MedGen C1704417, MONDO:0007751, OMIM 144010.

Submission:

Labcorp Genetics (formerly Invitae), Labcorp
Classification: Uncertain significance for Familial hypobetalipoproteinemia 1; Hypercholesterolemia, autosomal dominant, type B. Last evaluated: 2024-10-31. Review status: criteria provided, single submitter. Criteria: Invitae Variant Classification Sherloc (09022015). Collection method: clinical testing. Allele origin: germline.
Comment: This sequence change replaces glutamine, which is neutral and polar, with leucine, which is neutral and non-polar, at codon 1149 of the APOB protein (p.Gln1149Leu). This variant is not present in population databases (gnomAD no frequency). This variant has not been reported in the literature in individuals affected with APOB-related conditions. Invitae Evidence Modeling of protein sequence and biophysical properties (such as structural, functional, and spatial information, amino acid conservation, physicochemical variation, residue mobility, and thermodynamic stability) indicates that this missense variant is not expected to disrupt APOB protein function with a negative predictive value of 95%. In summary, the available evidence is currently insufficient to determine the role of this variant in disease. Therefore, it has been classified as a Variant of Uncertain Significance.